The following is an entry in ClinVar:

ClinVar aggregate classification (germline): Uncertain significance (1 of 4 stars; one submission).

Allele frequency attached by ClinVar (database versions not stated): ExAC 0.00001; gnomAD 0.00001; gnomAD exomes 0.00001.

Submission:

GeneDx
Classification: Uncertain significance. Last evaluated: 2019-11-04. Review status: criteria provided, single submitter. Criteria: GeneDx Variant Classification Process June 2021. Collection method: clinical testing. Allele origin: germline. Affected: yes.
Comment: In silico analysis, which includes protein predictors and evolutionary conservation, supports a deleterious effect; Has not been previously published as pathogenic or benign to our knowledge

NM_001372044.2(SHANK3):c.2239G>A (p.Gly747Arg)

Gene: SHANK3 (SH3 and multiple ankyrin repeat domains 3; plus strand). Cytogenetic location: 22q13.33.
Variant type: single nucleotide variant.
Coding change: c.2239G>A on transcript NM_001372044.2 (MANE Select); coding-DNA position 2239, G replaced by A.
Protein change: p.Gly747Arg; replaces glycine 747 with arginine.
Molecular consequence: missense variant.
Genome position (GRCh38, 1-based): chr22:50,705,081, G>A. VCF-style: chr22-50705081-G-A. GRCh37 (hg19) VCF-style: chr22-51143509-G-A.
Other names: c.2014G>A (NM_033517.1); short protein forms G747R.
Identifiers: ClinVar variation 1309838 (VCV001309838.2), dbSNP rs763010846, ClinGen allele CA10325729.